The following is an entry in ClinVar:

NM_001042545.2(LTBP4):c.1426+4del

Gene: LTBP4 (latent transforming growth factor beta binding protein 4; plus strand). Cytogenetic location: 19q13.2.
Variant type: Deletion.
Coding change: c.1426+4del on transcript NM_001042545.2 (MANE Select); 4 bases into the intron after coding-DNA position 1426, one base deleted (T; older notation c.1426+4delT).
Molecular consequence: splice donor variant.
Genome position (GRCh38, 1-based): chr19:40,608,607, T deleted; the last of 3 consecutive T bases (chr19:40,608,605-40,608,607); deleting any one gives the same sequence. VCF-style (leftmost placement, unchanged base first): chr19-40608604-GT-G. GRCh37 (hg19) VCF-style: chr19-41114510-GT-G.
Other names: c.1516+4del (NM_003573.2); c.1627+4del (NM_001042544.1).
Identifiers: ClinVar variation 1423315 (VCV001423315.4), dbSNP rs764943054, ClinGen allele CA9448299.

ClinVar aggregate classification (germline): Uncertain significance. Review status: criteria provided, multiple submitters, no conflicts (2 of 4 stars). 2 submissions from 2 submitters: Uncertain significance (2). Last evaluated 2024-10-07.

Submissions (2):

GeneDx
Classification: Uncertain significance. Last evaluated: 2024-10-07. Review status: criteria provided, single submitter. Criteria: GeneDx Variant Classification Process June 2021. Collection method: clinical testing. Allele origin: germline. Affected: yes.
Comment: Not observed at significant frequency in large population cohorts (gnomAD); Has not been previously published as pathogenic or benign to our knowledge; In silico analysis is inconclusive as to whether the variant alters gene splicing. In the absence of RNA/functional studies, the actual effect of this sequence change is unknown.

Labcorp Genetics (formerly Invitae), Labcorp
Classification: Uncertain significance. Last evaluated: 2022-06-19. Review status: criteria provided, single submitter. Criteria: Invitae Variant Classification Sherloc (09022015). Collection method: clinical testing. Allele origin: germline.
Comment: This sequence change falls in intron 12 of the LTBP4 gene. It does not directly change the encoded amino acid sequence of the LTBP4 protein. It affects a nucleotide within the consensus splice site. This variant is present in population databases (rs764943054, gnomAD 0.01%). This variant has not been reported in the literature in individuals affected with LTBP4-related conditions. Variants that disrupt the consensus splice site are a relatively common cause of aberrant splicing (PMID: 17576681, 9536098). Algorithms developed to predict the effect of sequence changes on RNA splicing suggest that this variant may disrupt the consensus splice site. In summary, the available evidence is currently insufficient to determine the role of this variant in disease. Therefore, it has been classified as a Variant of Uncertain Significance.

Literature cited by the submitters: PubMed 17576681 (cited by Labcorp Genetics (formerly Invitae), Labcorp); PubMed 9536098 (cited by Labcorp Genetics (formerly Invitae), Labcorp).